The following is an entry in ClinVar:

ClinVar aggregate classification (germline): Uncertain significance (1 of 4 stars; one submission).

Submission:

Labcorp Genetics (formerly Invitae), Labcorp
Classification: Uncertain significance. Last evaluated: 2024-03-01. Review status: criteria provided, single submitter. Criteria: Invitae Variant Classification Sherloc (09022015). Collection method: clinical testing. Allele origin: germline.
Comment: This sequence change creates a premature translational stop signal (p.Cys549*) in the IRF2BP2 gene. While this is not anticipated to result in nonsense mediated decay, it is expected to disrupt the last 39 amino acid(s) of the IRF2BP2 protein. This variant is not present in population databases (gnomAD no frequency). This variant has not been reported in the literature in individuals affected with IRF2BP2-related conditions. Experimental studies and prediction algorithms are not available or were not evaluated, and the functional significance of this variant is currently unknown. In summary, the available evidence is currently insufficient to determine the role of this variant in disease. Therefore, it has been classified as a Variant of Uncertain Significance.

NM_182972.3(IRF2BP2):c.1647T>A (p.Cys549Ter)

Gene: IRF2BP2 (interferon regulatory factor 2 binding protein 2; minus strand). Cytogenetic location: 1q42.3.
Variant type: single nucleotide variant.
Coding change: c.1647T>A on transcript NM_182972.3 (MANE Select); coding-DNA position 1647, T replaced by A.
Protein change: p.Cys549Ter; replaces cysteine 549 with a stop codon.
Molecular consequence: nonsense.
Genome position (GRCh38, 1-based): chr1:234,607,254, A>T on the plus strand (T>A on the coding strand, the complement: IRF2BP2 is on the minus strand). VCF-style: chr1-234607254-A-T. GRCh37 (hg19) VCF-style: chr1-234743000-A-T.
Other names: c.1599T>A, p.Cys533Ter (NM_001077397.1); short protein forms C549*, C533*.
Identifiers: ClinVar variation 3644016 (VCV003644016.2).